The following is an entry in ClinVar:

ClinVar aggregate classification (germline): Uncertain significance. Review status: criteria provided, multiple submitters, no conflicts (2 of 4 stars). 2 submissions from 2 submitters: Uncertain significance (2). Last evaluated 2024-10-21.

Conditions:
TH-deficient dopa-responsive dystonia. Also called: DYT-TH; Tyrosine Hydroxylase-Deficient Dopa-Responsive Dystonia; Segawa syndrome, autosomal recessive. Identifiers: Orphanet 101150, MedGen C2673535, MONDO:0011551, OMIM 605407.

gnomAD v4.1: 5 of 1,562,712 alleles (0.00032%); highest among the groups gnomAD compares: East Asian, 0.0024%; no homozygotes.

Submissions (2):

Labcorp Genetics (formerly Invitae), Labcorp
Classification: Uncertain significance for TH-deficient dopa-responsive dystonia. Last evaluated: 2024-10-21. Review status: criteria provided, single submitter. Criteria: Invitae Variant Classification Sherloc (09022015). Collection method: clinical testing. Allele origin: germline.
Comment: This sequence change replaces isoleucine, which is neutral and non-polar, with threonine, which is neutral and polar, at codon 260 of the TH protein (p.Ile260Thr). The frequency data for this variant in the population databases is considered unreliable, as metrics indicate poor data quality at this position in the gnomAD database. This variant has not been reported in the literature in individuals affected with TH-related conditions. An algorithm developed to predict the effect of missense changes on protein structure and function outputs the following: PolyPhen-2: "Benign". The threonine amino acid residue is found in multiple mammalian species, which suggests that this missense change does not adversely affect protein function. In summary, the available evidence is currently insufficient to determine the role of this variant in disease. Therefore, it has been classified as a Variant of Uncertain Significance.

GeneDx
Classification: Uncertain significance. Last evaluated: 2023-07-28. Review status: criteria provided, single submitter. Criteria: GeneDx Variant Classification Process June 2021. Collection method: clinical testing. Allele origin: germline. Affected: yes.
Comment: Not observed at significant frequency in large population cohorts (gnomAD); In silico analysis supports that this missense variant does not alter protein structure/function; Has not been previously published as pathogenic or benign to our knowledge

NM_000360.4(TH):c.686T>C (p.Ile229Thr)

Gene: TH (tyrosine hydroxylase; minus strand). Cytogenetic location: 11p15.5.
Variant type: single nucleotide variant.
Coding change: c.686T>C on transcript NM_000360.4 (MANE Select); coding-DNA position 686, T replaced by C.
Protein change: p.Ile229Thr; replaces isoleucine 229 with threonine.
Molecular consequence: missense variant.
Genome position (GRCh38, 1-based): chr11:2,167,444, A>G on the plus strand (T>C on the coding strand, the complement: TH is on the minus strand). VCF-style: chr11-2167444-A-G. GRCh37 (hg19) VCF-style: chr11-2188674-A-G.
Other names: c.779T>C, p.Ile260Thr (NM_199292.3); c.767T>C, p.Ile256Thr (NM_199293.3); short protein forms I229T, I256T, I260T.
Identifiers: ClinVar variation 3361505 (VCV003361505.2).